The following is an entry in ClinVar:

NM_004370.6(COL12A1):c.872C>T (p.Pro291Leu)

Gene: COL12A1 (collagen type XII alpha 1 chain; minus strand). Cytogenetic location: 6q13.
Variant type: single nucleotide variant.
Coding change: c.872C>T on transcript NM_004370.6 (MANE Select); coding-DNA position 872, C replaced by T.
Protein change: p.Pro291Leu; replaces proline 291 with leucine.
Molecular consequence: missense variant. On other transcripts: intron variant (2).
Genome position (GRCh38, 1-based): chr6:75,188,487, G>A on the plus strand (C>T on the coding strand, the complement: COL12A1 is on the minus strand). VCF-style: chr6-75188487-G-A. GRCh37 (hg19) VCF-style: chr6-75898203-G-A.
Other names: c.872C>T, p.Pro291Leu (NM_001424113.1, NM_001424114.1, NM_001424115.1); c.73+14233C>T (NM_001424116.1, NM_080645.3); short protein forms P291L.
Identifiers: ClinVar variation 3769214 (VCV003769214.2).

ClinVar aggregate classification (germline): Uncertain significance (1 of 4 stars; one submission).

gnomAD v4.1: 1 of 1,613,506 alleles (0.000062%); highest among the groups gnomAD compares: Non-Finnish European, 0.000085%; no homozygotes.

Submission:

Women's Health and Genetics/Laboratory Corporation of America, LabCorp
Classification: Uncertain significance. Last evaluated: 2025-01-07. Review status: criteria provided, single submitter. Criteria: LabCorp Variant Classification Summary - May 2015. Collection method: clinical testing. Allele origin: germline.
Comment: Variant summary: COL12A1 c.872C>T (p.Pro291Leu) results in a non-conservative amino acid change located in the von Willebrand factor (vWF) type A domain of the encoded protein sequence. Five of five in-silico tools predict a damaging effect of the variant on protein function. The variant was absent in 248998 control chromosomes. The available data on variant occurrences in the general population are insufficient to allow any conclusion about variant significance. To our knowledge, no occurrence of c.872C>T in individuals affected with Ullrich congenital muscular dystrophy 2 and no experimental evidence demonstrating its impact on protein function have been reported. No submitters have cited clinical-significance assessments for this variant to ClinVar. Based on the evidence outlined above, the variant was classified as uncertain significance.